The following is an entry in ClinVar:

NM_203446.3(SYNJ1):c.3166A>C (p.Ile1056Leu)

Gene: SYNJ1 (synaptojanin 1; minus strand). Cytogenetic location: 21q22.11.
Variant type: single nucleotide variant.
Coding change: c.3166A>C on transcript NM_203446.3 (MANE Select); coding-DNA position 3166, A replaced by C.
Protein change: p.Ile1056Leu; replaces isoleucine 1056 with leucine.
Molecular consequence: missense variant.
Genome position (GRCh38, 1-based): chr21:32,646,474, T>G on the plus strand (A>C on the coding strand, the complement: SYNJ1 is on the minus strand). VCF-style: chr21-32646474-T-G. GRCh37 (hg19) VCF-style: chr21-34018784-T-G.
Other names: c.3166A>C, p.Ile1056Leu (NM_001160302.2); c.3151A>C, p.Ile1051Leu (NM_001160306.2); c.3283A>C, p.Ile1095Leu (NM_003895.4); short protein forms I1056L, I1095L, I1051L.
Identifiers: ClinVar variation 1356193 (VCV001356193.3), dbSNP rs1484714011, ClinGen allele CA410069372.

ClinVar aggregate classification (germline): Uncertain significance (1 of 4 stars; one submission).

Conditions:
Early-onset Parkinson disease 20. Also called: PARKINSON DISEASE 20, AUTOSOMAL RECESSIVE EARLY-ONSET. Identifiers: Orphanet 391411, MedGen C3809824, MONDO:0014233, OMIM 615530.
Developmental and epileptic encephalopathy, 53. Also called: Epileptic encephalopathy, early infantile, 53. Identifiers: MedGen C4479313, MONDO:0033362, OMIM 617389.

Allele frequency attached by ClinVar (database versions not stated): gnomAD exomes below 0.00001 and 0.00001; TOPMed below 0.00001.
gnomAD v4.1: 3 of 1,614,138 alleles (0.00019%); highest among the groups gnomAD compares: Admixed American, 0.005%; no homozygotes.

Submission:

Labcorp Genetics (formerly Invitae), Labcorp
Classification: Uncertain significance for Developmental and epileptic encephalopathy, 53; Early-onset Parkinson disease 20. Last evaluated: 2022-09-19. Review status: criteria provided, single submitter. Criteria: Invitae Variant Classification Sherloc (09022015). Collection method: clinical testing. Allele origin: germline.
Comment: This sequence change replaces isoleucine, which is neutral and non-polar, with leucine, which is neutral and non-polar, at codon 1095 of the SYNJ1 protein (p.Ile1095Leu). This variant is present in population databases (no rsID available, gnomAD 0.003%). This variant has not been reported in the literature in individuals affected with SYNJ1-related conditions. ClinVar contains an entry for this variant (Variation ID: 1356193). Advanced modeling of protein sequence and biophysical properties (such as structural, functional, and spatial information, amino acid conservation, physicochemical variation, residue mobility, and thermodynamic stability) performed at Invitae indicates that this missense variant is not expected to disrupt SYNJ1 protein function. In summary, the available evidence is currently insufficient to determine the role of this variant in disease. Therefore, it has been classified as a Variant of Uncertain Significance.